The following is an entry in ClinVar:

ClinVar aggregate classification (germline): Uncertain significance. Review status: criteria provided, multiple submitters, no conflicts (2 of 4 stars). 3 submissions from 3 submitters: Uncertain significance (3). Last evaluated 2025-05-04.

Conditions:
Cardiovascular phenotype. Identifiers: MedGen CN230736.
Brugada syndrome. Also called: Sudden Unexplained Nocturnal Death Syndrome (SUNDS); Sudden unexpected nocturnal death syndrome; Sudden Unexplained Death Syndrome; Sudden unexplained nocturnal death syndrome. Identifiers: Orphanet 130, MedGen C1142166, MONDO:0015263.

Allele frequency attached by ClinVar (database versions not stated): gnomAD exomes 0.00004 and 0.00010; 1000 Genomes Project 30x 0.00016; 1000 Genomes Project 0.00020; gnomAD 0.00004 and 0.00005; TOPMed 0.00008; ExAC 0.00011.
gnomAD v4.1: 32 of 1,614,136 alleles (0.002%); highest among the groups gnomAD compares: Admixed American, 0.052%; no homozygotes.

Submissions (3):

Labcorp Genetics (formerly Invitae), Labcorp
Classification: Uncertain significance for Brugada syndrome. Last evaluated: 2025-05-04. Review status: criteria provided, single submitter. Criteria: Invitae Variant Classification Sherloc (09022015). Collection method: clinical testing. Allele origin: germline.
Comment: This sequence change replaces tyrosine, which is neutral and polar, with asparagine, which is neutral and polar, at codon 1357 of the SCN10A protein (p.Tyr1357Asn). This variant is present in population databases (rs199703203, gnomAD 0.07%). This variant has not been reported in the literature in individuals affected with SCN10A-related conditions. ClinVar contains an entry for this variant (Variation ID: 1401319). Invitae Evidence Modeling of protein sequence and biophysical properties (such as structural, functional, and spatial information, amino acid conservation, physicochemical variation, residue mobility, and thermodynamic stability) indicates that this missense variant is expected to disrupt SCN10A protein function with a positive predictive value of 80%. In summary, the available evidence is currently insufficient to determine the role of this variant in disease. Therefore, it has been classified as a Variant of Uncertain Significance.

GeneDx
Classification: Uncertain significance. Last evaluated: 2024-08-14. Review status: criteria provided, single submitter. Criteria: GeneDx Variant Classification Process June 2021. Collection method: clinical testing. Allele origin: germline. Affected: yes.
Comment: Has not been previously published as pathogenic or benign to our knowledge; In silico analysis supports that this missense variant has a deleterious effect on protein structure/function

Ambry Genetics
Classification: Uncertain significance for Cardiovascular phenotype. Last evaluated: 2019-08-21. Review status: criteria provided, single submitter. Criteria: Ambry Variant Classification Scheme 2023. Collection method: clinical testing. Allele origin: germline.
Comment: The p.Y1357N variant (also known as c.4069T>A), located in coding exon 22 of the SCN10A gene, results from a T to A substitution at nucleotide position 4069. The tyrosine at codon 1357 is replaced by asparagine, an amino acid with dissimilar properties. This amino acid position is highly conserved in available vertebrate species. In addition, this alteration is predicted to be deleterious by in silico analysis. Since supporting evidence is limited at this time, the clinical significance of this alteration remains unclear.

NM_006514.4(SCN10A):c.4069T>A (p.Tyr1357Asn)

Gene: SCN10A (sodium voltage-gated channel alpha subunit 10; minus strand). Cytogenetic location: 3p22.2.
Variant type: single nucleotide variant.
Coding change: c.4069T>A on transcript NM_006514.4 (MANE Select); coding-DNA position 4069, T replaced by A.
Protein change: p.Tyr1357Asn; replaces tyrosine 1357 with asparagine.
Molecular consequence: missense variant.
Genome position (GRCh38, 1-based): chr3:38,712,181, A>T on the plus strand (T>A on the coding strand, the complement: SCN10A is on the minus strand). VCF-style: chr3-38712181-A-T. GRCh37 (hg19) VCF-style: chr3-38753672-A-T.
Other names: c.4066T>A, p.Tyr1356Asn (NM_001293306.2); c.3775T>A, p.Tyr1259Asn (NM_001293307.2); short protein forms Y1357N, Y1356N, Y1259N.
Identifiers: ClinVar variation 1401319 (VCV001401319.7), dbSNP rs199703203, ClinGen allele CA2320042.